The following is an entry in ClinVar:

ClinVar aggregate classification (germline): Pathogenic (1 of 4 stars; one submission).

Conditions:
Familial prostate cancer. Also called: Hereditary Prostate Cancer. Identifiers: MedGen C2931456, MONDO:0700275, OMIM 176807.

Submission:

Women's Health and Genetics/Laboratory Corporation of America, LabCorp
Classification: Pathogenic for Familial prostate cancer. Last evaluated: 2026-03-30. Review status: criteria provided, single submitter. Criteria: LabCorp Variant Classification Summary - May 2015. Collection method: clinical testing. Allele origin: germline.
Comment: Variant summary: MSH6 c.1676_1677delGC (p.Cys559PhefsX3) results in a premature termination codon, predicted to cause a truncation of the encoded protein or absence of the protein due to nonsense mediated decay, which are commonly known mechanisms for disease. The variant was absent in 250652 control chromosomes. c.1676_1677delGC has been observed in at least one meningioma tumor sample. To our knowledge, no experimental evidence demonstrating an impact on protein function has been reported. The following publication have been ascertained in the context of this evaluation (PMID: 30801050). No submitters have cited clinical-significance assessments for this variant to ClinVar. Based on the evidence outlined above, the variant was classified as pathogenic.

Literature cited by the submitters: PubMed 30801050.

NM_000179.3(MSH6):c.1676_1677del (p.Cys559fs)

Gene: MSH6 (mutS homolog 6; plus strand). Cytogenetic location: 2p16.3.
Variant type: Deletion.
Coding change: c.1676_1677del on transcript NM_000179.3 (MANE Select); coding-DNA positions 1676 to 1677, 2 bases deleted (GC; older notation c.1676_1677delGC).
Protein change: p.Cys559fs; shifts the reading frame from cysteine 559.
Molecular consequence: frameshift variant. On other transcripts: non-coding transcript variant (4), intron variant (2).
Genome position (GRCh38, 1-based): chr2:47,799,659-47,799,660, GC deleted. VCF-style (leftmost placement, unchanged base first): chr2-47799658-TGC-T. GRCh37 (hg19) VCF-style: chr2-48026797-TGC-T.
Other names: c.1676_1677delGC (NM_000179.3); c.1286_1287del, p.Cys429fs (NM_001281492.2); c.770_771del, p.Cys257fs (NM_001281493.2, NM_001281494.2, NM_001406811.1 and 6 more transcripts); c.1772_1773del, p.Cys591fs (NM_001406795.1, NM_001406802.1); c.1676_1677del, p.Cys559fs (NM_001406796.1, NM_001406798.1, NM_001406800.1 and 3 more transcripts); c.1379_1380del, p.Cys460fs (NM_001406797.1, NM_001406801.1, NM_001406805.1 and 10 more transcripts); c.1151_1152del, p.Cys384fs (NM_001406799.1, NM_001406806.1, NM_001406807.1); c.1598_1599del, p.Cys533fs (NM_001406804.1); and 4 more; short protein forms C257fs, C384fs, C429fs, C460fs, C503fs, C533fs, C559fs, C561fs.
Identifiers: ClinVar variation 4847554 (VCV004847554.1).